The following is an entry in ClinVar:

ClinVar aggregate classification (germline): Uncertain significance. Review status: criteria provided, multiple submitters, no conflicts (2 of 4 stars). 2 submissions from 2 submitters: Uncertain significance (2). Last evaluated 2025-09-26.

Allele frequency attached by ClinVar (database versions not stated): gnomAD exomes 0.00006; TOPMed 0.00008.
gnomAD v4.1: 72 of 1,551,498 alleles (0.0046%); highest among the groups gnomAD compares: Middle Eastern, 0.18%; no homozygotes.

Submissions (2):

Ambry Genetics
Classification: Uncertain significance. Last evaluated: 2025-09-26. Review status: criteria provided, single submitter. Criteria: Ambry Variant Classification Scheme 2023. Collection method: clinical testing. Allele origin: germline.

Labcorp Genetics (formerly Invitae), Labcorp
Classification: Uncertain significance. Last evaluated: 2025-02-03. Review status: criteria provided, single submitter. Criteria: Invitae Variant Classification Sherloc (09022015). Collection method: clinical testing. Allele origin: germline.
Comment: This sequence change replaces asparagine, which is neutral and polar, with lysine, which is basic and polar, at codon 449 of the KPNA7 protein (p.Asn449Lys). This variant is present in population databases (rs756389890, gnomAD 0.02%). This variant has not been reported in the literature in individuals affected with KPNA7-related conditions. ClinVar contains an entry for this variant (Variation ID: 1039607). Invitae Evidence Modeling of protein sequence and biophysical properties (such as structural, functional, and spatial information, amino acid conservation, physicochemical variation, residue mobility, and thermodynamic stability) indicates that this missense variant is not expected to disrupt KPNA7 protein function with a negative predictive value of 80%. In summary, the available evidence is currently insufficient to determine the role of this variant in disease. Therefore, it has been classified as a Variant of Uncertain Significance.

NM_001145715.3(KPNA7):c.1347C>G (p.Asn449Lys)

Gene: KPNA7 (karyopherin subunit alpha 7; minus strand). Cytogenetic location: 7q22.1.
Variant type: single nucleotide variant.
Coding change: c.1347C>G on transcript NM_001145715.3 (MANE Select); coding-DNA position 1347, C replaced by G.
Protein change: p.Asn449Lys; replaces asparagine 449 with lysine.
Molecular consequence: missense variant.
Genome position (GRCh38, 1-based): chr7:99,178,037, G>C on the plus strand (C>G on the coding strand, the complement: KPNA7 is on the minus strand). VCF-style: chr7-99178037-G-C. GRCh37 (hg19) VCF-style: chr7-98775660-G-C.
Other names: c.1347C>G (NM_001145715.1); short protein forms N449K.
Identifiers: ClinVar variation 1039607 (VCV001039607.8), dbSNP rs756389890, ClinGen allele CA163744402.
Genomic context (GRCh38, chr7:99,178,037, plus strand): 5'-ATGCAGCTGTAAAGCCTCAATTCTATCGATCCCACCAAGTTCTTCTATCAGAAGACACAG[G>C]TTTTCCTTCTCAGACCGTTTCTCTGCCGCCTGTGACCAAGTACAAGGGGACATGAGACCC-3'
Protein context (NP_001139187.1, residues 439-459): QAAEKRSEKE[Asn449Lys]LCLLIEELGG